The following is an entry in ClinVar:

ClinVar aggregate classification (germline): Uncertain significance (1 of 4 stars; one submission).

Conditions:
Cenani-Lenz syndactyly syndrome. Also called: SYNDACTYLY, TYPE VII; CENANI SYNDACTYLISM. Identifiers: Orphanet 3258, MedGen C1859309, MONDO:0008931, OMIM 212780.
Sclerosteosis 2 (SOST2). Identifiers: Orphanet 3152, MedGen C3280402, MONDO:0013679, OMIM 614305.
Congenital myasthenic syndrome 17. Identifiers: Orphanet 590, MedGen C4225377, MONDO:0014578, OMIM 616304.

Allele frequency attached by ClinVar (database versions not stated): gnomAD exomes below 0.00001.
gnomAD v4.1: 1 of 1,614,068 alleles (0.000062%); highest among the groups gnomAD compares: African/African-American, 0.0013%; no homozygotes.

Submission:

Labcorp Genetics (formerly Invitae), Labcorp
Classification: Uncertain significance for Cenani-Lenz syndactyly syndrome; Sclerosteosis 2; Congenital myasthenic syndrome 17. Last evaluated: 2025-06-12. Review status: criteria provided, single submitter. Criteria: Invitae Variant Classification Sherloc (09022015). Collection method: clinical testing. Allele origin: germline.
Comment: This sequence change replaces alanine, which is neutral and non-polar, with threonine, which is neutral and polar, at codon 543 of the LRP4 protein (p.Ala543Thr). This variant is not present in population databases (gnomAD no frequency). This variant has not been reported in the literature in individuals affected with LRP4-related conditions. ClinVar contains an entry for this variant (Variation ID: 2056484). Invitae Evidence Modeling of protein sequence and biophysical properties (such as structural, functional, and spatial information, amino acid conservation, physicochemical variation, residue mobility, and thermodynamic stability) indicates that this missense variant is not expected to disrupt LRP4 protein function with a negative predictive value of 80%. In summary, the available evidence is currently insufficient to determine the role of this variant in disease. Therefore, it has been classified as a Variant of Uncertain Significance.

NM_002334.4(LRP4):c.1627G>A (p.Ala543Thr)

Gene: LRP4 (LDL receptor related protein 4; minus strand). Cytogenetic location: 11p11.2.
Variant type: single nucleotide variant.
Coding change: c.1627G>A on transcript NM_002334.4 (MANE Select); coding-DNA position 1627, G replaced by A.
Protein change: p.Ala543Thr; replaces alanine 543 with threonine.
Molecular consequence: missense variant.
Genome position (GRCh38, 1-based): chr11:46,893,043, C>T on the plus strand (G>A on the coding strand, the complement: LRP4 is on the minus strand). VCF-style: chr11-46893043-C-T. GRCh37 (hg19) VCF-style: chr11-46914594-C-T.
Other names: short protein forms A543T.
Identifiers: ClinVar variation 2056484 (VCV002056484.4), dbSNP rs868358626, ClinGen allele CA221646221.